The following is an entry in ClinVar:

NM_198390.3(CMIP):c.1242G>A (p.Pro414=)

Gene: CMIP (c-Maf inducing protein; plus strand). Cytogenetic location: 16q23.3.
Variant type: single nucleotide variant.
Coding change: c.1242G>A on transcript NM_198390.3 (MANE Select); coding-DNA position 1242, G replaced by A.
Protein change: p.Pro414=; no amino-acid change (proline 414 retained).
Molecular consequence: synonymous variant.
Genome position (GRCh38, 1-based): chr16:81,678,482, G>A. VCF-style: chr16-81678482-G-A. GRCh37 (hg19) VCF-style: chr16-81712087-G-A.
Other names: c.960G>A, p.Pro320= (NM_030629.3).
Identifiers: ClinVar variation 708840 (VCV000708840.7), dbSNP rs35429777, ClinGen allele CA8192366.

ClinVar aggregate classification (germline): Benign. Review status: criteria provided, multiple submitters, no conflicts (2 of 4 stars). 3 submissions from 3 submitters: Benign (2). 1 of the submissions does not count toward it. Last evaluated 2019-12-31.

Conditions:
CMIP-related disorder. Also called: CMIP-related condition.

Allele frequency attached by ClinVar (database versions not stated): ExAC 0.00271; ESP Exome Variant Server 0.00571; 1000 Genomes Project 0.00579; gnomAD 0.00606 and 0.00657; 1000 Genomes Project 30x 0.00625; TOPMed 0.00678.
gnomAD v4.1: 1,934 of 1,595,146 alleles (0.12%); highest among the groups gnomAD compares: African/African-American, 2.2%; 35 homozygotes.

Submissions (3):

Labcorp Genetics (formerly Invitae), Labcorp
Classification: Benign. Last evaluated: 2019-12-31. Review status: criteria provided, single submitter. Criteria: Invitae Variant Classification Sherloc (09022015). Collection method: clinical testing. Allele origin: germline.

Breakthrough Genomics
Classification: Benign. Review status: criteria provided, single submitter. Criteria: ACMG Guidelines, 2015. Collection method: not provided. Allele origin: germline. Inheritance: Unknown mechanism. Affected: yes.

PreventionGenetics, part of Exact Sciences
Classification: Benign for CMIP-related condition. Last evaluated: 2019-03-21. Review status: no assertion criteria provided. Collection method: clinical testing. Allele origin: germline. Not counted in ClinVar's aggregate classification.
Comment: This variant is classified as benign based on ACMG/AMP sequence variant interpretation guidelines (Richards et al. 2015 PMID: 25741868, with internal and published modifications).